The following is an entry in ClinVar:

NM_000069.3(CACNA1S):c.3760C>A (p.Arg1254=)

Gene: CACNA1S (calcium voltage-gated channel subunit alpha1 S; minus strand). Cytogenetic location: 1q32.1.
Variant type: single nucleotide variant.
Coding change: c.3760C>A on transcript NM_000069.3 (MANE Select); coding-DNA position 3760, C replaced by A.
Protein change: p.Arg1254=; no amino-acid change (arginine 1254 retained).
Molecular consequence: synonymous variant.
Genome position (GRCh38, 1-based): chr1:201,053,494, G>T on the plus strand (C>A on the coding strand, the complement: CACNA1S is on the minus strand). VCF-style: chr1-201053494-G-T. GRCh37 (hg19) VCF-style: chr1-201022622-G-T.
Identifiers: ClinVar variation 3386320 (VCV003386320.1).

ClinVar aggregate classification (germline): Likely benign (1 of 4 stars; one submission).

Conditions:
Malignant hyperthermia, susceptibility to, 5 (MHS5). Also called: CACNA1S-Related Malignant Hyperthermia Susceptibility. Identifiers: Orphanet 423, MedGen C1866077, MONDO:0011163, OMIM 601887.

gnomAD v4.1: 4 of 1,614,148 alleles (0.00025%); highest among the groups gnomAD compares: South Asian, 0.0044%; no homozygotes.

Submission:

All of Us Research Program, National Institutes of Health
Classification: Likely benign for Malignant hyperthermia, susceptibility to, 5. Last evaluated: 2024-07-10. Review status: criteria provided, single submitter. Criteria: ACMG Guidelines, 2015. Collection method: clinical testing. Allele origin: germline. Inheritance: Autosomal dominant inheritance. Observed: 1 variant allele, 1 heterozygote.
Comment: This study involves interpretation of variants in research participants for the purpose of population health screening. Participant phenotype was not available at the time of variant classification. Additional details can be found in publication PMID: 35346344, PMCID: PMC8962531